The following is an entry in ClinVar:

ClinVar aggregate classification (germline): Uncertain significance (1 of 4 stars; one submission).

Submission:

Labcorp Genetics (formerly Invitae), Labcorp
Classification: Uncertain significance. Last evaluated: 2022-07-19. Review status: criteria provided, single submitter. Criteria: Invitae Variant Classification Sherloc (09022015). Collection method: clinical testing. Allele origin: germline.
Comment: Algorithms developed to predict the effect of missense changes on protein structure and function are either unavailable or do not agree on the potential impact of this missense change (SIFT: "Tolerated"; PolyPhen-2: "Possibly Damaging"; Align-GVGD: "Class C0"). In summary, the available evidence is currently insufficient to determine the role of this variant in disease. Therefore, it has been classified as a Variant of Uncertain Significance. ClinVar contains an entry for this variant (Variation ID: 1461981). This variant has not been reported in the literature in individuals affected with PNPT1-related conditions. This variant is not present in population databases (gnomAD no frequency). This sequence change replaces glutamine, which is neutral and polar, with arginine, which is basic and polar, at codon 94 of the PNPT1 protein (p.Gln94Arg).

NM_033109.5(PNPT1):c.281A>G (p.Gln94Arg)

Gene: PNPT1 (polyribonucleotide nucleotidyltransferase 1; minus strand). Cytogenetic location: 2p16.1.
Variant type: single nucleotide variant.
Coding change: c.281A>G on transcript NM_033109.5 (MANE Select); coding-DNA position 281, A replaced by G.
Protein change: p.Gln94Arg; replaces glutamine 94 with arginine.
Molecular consequence: missense variant.
Genome position (GRCh38, 1-based): chr2:55,686,386, T>C on the plus strand (A>G on the coding strand, the complement: PNPT1 is on the minus strand). VCF-style: chr2-55686386-T-C. GRCh37 (hg19) VCF-style: chr2-55913521-T-C.
Other names: short protein forms Q94R.
Identifiers: ClinVar variation 1461981 (VCV001461981.6), dbSNP rs2104178898, ClinGen allele CA346941805.